The following is an entry in ClinVar:

ClinVar aggregate classification (germline): Uncertain significance (1 of 4 stars; one submission).

Allele frequency attached by ClinVar (database versions not stated): TOPMed below 0.00001; gnomAD 0.00001.
gnomAD v4.1: 1 of 1,614,032 alleles (0.000062%); highest among the groups gnomAD compares: African/African-American, 0.0013%; no homozygotes.

Submission:

GeneDx
Classification: Uncertain significance. Last evaluated: 2013-10-07. Review status: criteria provided, single submitter. Criteria: GeneDx Variant Classification (06012015). Collection method: clinical testing. Allele origin: germline. Affected: yes.
Comment: p.His71Arg (CAT>CGT): c.212 A>G in exon 3 of the CHRNB2 gene (NM_000748.2). The His71Arg missense change has not been published as a mutation, nor has it been reported as a benign polymorphism to our knowledge. It was not observed in approximately 6,500 individuals of European and African American ancestry in the NHLBI Exome Sequencing Project, indicating it is not a common benign variant in these populations. This variant is a conservative substitution of one positively charged amino acid for another at a position that is conserved in mammals but is not conserved in more distantly related species. In silico analysis is inconsistent with regard to the effect this variant may have on the protein structure/function. Therefore, based on the currently available information, it is unclear whether His71Arg is a disease-causing mutation or a rare benign variant. The variant is found in EPILEPSY panel(s).

NM_000748.3(CHRNB2):c.212A>G (p.His71Arg)

Gene: CHRNB2 (cholinergic receptor nicotinic beta 2 subunit; plus strand). Cytogenetic location: 1q21.3.
Variant type: single nucleotide variant.
Coding change: c.212A>G on transcript NM_000748.3 (MANE Select); coding-DNA position 212, A replaced by G.
Protein change: p.His71Arg; replaces histidine 71 with arginine.
Molecular consequence: missense variant.
Genome position (GRCh38, 1-based): chr1:154,569,793, A>G. VCF-style: chr1-154569793-A-G. GRCh37 (hg19) VCF-style: chr1-154542269-A-G.
Other names: p.H71R:CAT>CGT; short protein forms H71R.
Identifiers: ClinVar variation 205063 (VCV000205063.2), dbSNP rs796052325, ClinGen allele CA313643.